The following is an entry in ClinVar:

ClinVar aggregate classification (germline): Uncertain significance. Review status: criteria provided, multiple submitters, no conflicts (2 of 4 stars). 2 submissions from 2 submitters: Uncertain significance (2). Last evaluated 2025-08-20.

Conditions:
Charcot-Marie-Tooth disease axonal type 2O. Also called: CHARCOT-MARIE-TOOTH NEUROPATHY, AXONAL, TYPE 2O; CHARCOT-MARIE-TOOTH DISEASE, AXONAL, AUTOSOMAL DOMINANT, TYPE 2O; Charcot-Marie-Tooth Neuropathy Type 2O; Charcot-Marie-Tooth disease, axonal, type 20. Identifiers: Orphanet 284232, MedGen C3280220, MONDO:0013644, OMIM 614228.

gnomAD v4.1: 4 of 1,613,976 alleles (0.00025%); highest among the groups gnomAD compares: South Asian, 0.0011%; no homozygotes.

Submissions (2):

GeneDx
Classification: Uncertain significance. Last evaluated: 2025-08-20. Review status: criteria provided, single submitter. Criteria: GeneDx Variant Classification Process June 2021. Collection method: clinical testing. Allele origin: germline.
Comment: Not observed at significant frequency in large population cohorts (gnomAD); In silico analysis supports that this missense variant has a deleterious effect on protein structure/function; Has not been previously published as pathogenic or benign to our knowledge; This variant is associated with the following publications: (PMID: 25512093, 25609763, 26100331)

Labcorp Genetics (formerly Invitae), Labcorp
Classification: Uncertain significance for Charcot-Marie-Tooth disease axonal type 2O. Last evaluated: 2024-08-01. Review status: criteria provided, single submitter. Criteria: Invitae Variant Classification Sherloc (09022015). Collection method: clinical testing. Allele origin: germline.
Comment: This sequence change replaces arginine, which is basic and polar, with cysteine, which is neutral and slightly polar, at codon 2060 of the DYNC1H1 protein (p.Arg2060Cys). This variant is not present in population databases (gnomAD no frequency). This variant has not been reported in the literature in individuals affected with DYNC1H1-related conditions. Advanced modeling of protein sequence and biophysical properties (such as structural, functional, and spatial information, amino acid conservation, physicochemical variation, residue mobility, and thermodynamic stability) has been performed at Invitae for this missense variant, however the output from this modeling did not meet the statistical confidence thresholds required to predict the impact of this variant on DYNC1H1 protein function. In summary, the available evidence is currently insufficient to determine the role of this variant in disease. Therefore, it has been classified as a Variant of Uncertain Significance.

NM_001376.5(DYNC1H1):c.6178C>T (p.Arg2060Cys)

Gene: DYNC1H1 (dynein cytoplasmic 1 heavy chain 1; plus strand). Cytogenetic location: 14q32.31.
Variant type: single nucleotide variant.
Coding change: c.6178C>T on transcript NM_001376.5 (MANE Select); coding-DNA position 6178, C replaced by T.
Protein change: p.Arg2060Cys; replaces arginine 2060 with cysteine.
Molecular consequence: missense variant.
Genome position (GRCh38, 1-based): chr14:102,010,043, C>T. VCF-style: chr14-102010043-C-T. GRCh37 (hg19) VCF-style: chr14-102476380-C-T.
Other names: short protein forms R2060C.
Identifiers: ClinVar variation 3608210 (VCV003608210.4).